The following is an entry in ClinVar:

NM_019066.5(MAGEL2):c.1524C>T (p.Ala508=)

Gene: MAGEL2 (MAGE family member L2; minus strand). Cytogenetic location: 15q11.2.
Variant type: single nucleotide variant.
Coding change: c.1524C>T on transcript NM_019066.5 (MANE Select); coding-DNA position 1524, C replaced by T.
Protein change: p.Ala508=; no amino-acid change (alanine 508 retained).
Molecular consequence: synonymous variant.
Genome position (GRCh38, 1-based): chr15:23,646,219, G>A on the plus strand (C>T on the coding strand, the complement: MAGEL2 is on the minus strand). VCF-style: chr15-23646219-G-A. GRCh37 (hg19) VCF-style: chr15-23891366-G-A.
Identifiers: ClinVar variation 2178348 (VCV002178348.29), dbSNP rs778438849, ClinGen allele CA7430035.
Genomic context (GRCh38, chr15:23,646,219, plus strand): 5'-CTGCGGGGCCTGCCGCAGTGGAGGTGGGGGTGGCAGGGCCTGCCAGAGCGGTGGCTGGGT[G>A]GCCAGGACCTGTGGGGCAGGTCGGATGGGCGGCGGCGCCTGGCGGATCAGCGGCGGGGCC-3'
Protein context (NP_061939.3, residues 498-518): PPIRPAPQVL[Ala508=]TQPPLWQALP

ClinVar aggregate classification (germline): Benign/Likely benign. Review status: criteria provided, multiple submitters, no conflicts (2 of 4 stars). 3 submissions from 3 submitters: Benign (1); Likely benign (2). Last evaluated 2026-01-19.

Allele frequency attached by ClinVar (database versions not stated): gnomAD exomes 0.00004; 1000 Genomes Project 30x 0.00047; TOPMed 0.00047; gnomAD 0.00059; ExAC 0.00108.

Submissions (3):

Labcorp Genetics (formerly Invitae), Labcorp
Classification: Benign. Last evaluated: 2026-01-19. Review status: criteria provided, single submitter. Criteria: Invitae Variant Classification Sherloc (09022015). Collection method: clinical testing. Allele origin: germline.

CeGaT Center for Human Genetics Tuebingen
Classification: Likely benign. Last evaluated: 2025-07-01. Review status: criteria provided, single submitter. Criteria: CeGaT Center For Human Genetics Tuebingen Variant Classification Criteria Version 2. Collection method: clinical testing. Allele origin: germline. Affected: yes. Observed: 2 variant alleles.
Comment: MAGEL2: BP4, BP7

Blueprint Genetics
Classification: Likely benign. Last evaluated: 2024-06-27. Review status: criteria provided, single submitter. Criteria: ACMG Guidelines, 2015. Collection method: clinical testing. Allele origin: germline.